The following is an entry in ClinVar:

ClinVar aggregate classification (germline): Uncertain significance (1 of 4 stars; one submission).

Submission:

Labcorp Genetics (formerly Invitae), Labcorp
Classification: Uncertain significance. Last evaluated: 2021-07-13. Review status: criteria provided, single submitter. Criteria: Invitae Variant Classification Sherloc (09022015). Collection method: clinical testing. Allele origin: germline.
Comment: In summary, the available evidence is currently insufficient to determine the role of this variant in disease. Therefore, it has been classified as a Variant of Uncertain Significance. This sequence change replaces isoleucine with methionine at codon 1404 of the SETBP1 protein (p.Ile1404Met). The isoleucine residue is highly conserved and there is a small physicochemical difference between isoleucine and methionine. This variant is not present in population databases (ExAC no frequency). This variant has not been reported in the literature in individuals affected with SETBP1-related conditions. Algorithms developed to predict the effect of missense changes on protein structure and function are either unavailable or do not agree on the potential impact of this missense change (SIFT: "Deleterious"; PolyPhen-2: "Probably Damaging"; Align-GVGD: "Class C0").

NM_015559.3(SETBP1):c.4212C>G (p.Ile1404Met)

Gene: SETBP1 (SET binding protein 1; plus strand). Cytogenetic location: 18q12.3.
Variant type: single nucleotide variant.
Coding change: c.4212C>G on transcript NM_015559.3 (MANE Select); coding-DNA position 4212, C replaced by G.
Protein change: p.Ile1404Met; replaces isoleucine 1404 with methionine.
Molecular consequence: missense variant.
Genome position (GRCh38, 1-based): chr18:45,063,119, C>G. VCF-style: chr18-45063119-C-G. GRCh37 (hg19) VCF-style: chr18-42643084-C-G.
Other names: c.4212C>G, p.Ile1404Met (NM_001379141.1, NM_001379142.1); short protein forms I1404M.
Identifiers: ClinVar variation 1367159 (VCV001367159.8), dbSNP rs2145592533, ClinGen allele CA402482847.